The following is an entry in ClinVar:

NM_170699.3(GPBAR1):c.923G>A (p.Arg308Gln)

Gene: GPBAR1 (G protein-coupled bile acid receptor 1; plus strand). Cytogenetic location: 2q35.
Variant type: single nucleotide variant.
Coding change: c.923G>A on transcript NM_170699.3 (MANE Select); coding-DNA position 923, G replaced by A.
Protein change: p.Arg308Gln; replaces arginine 308 with glutamine.
Molecular consequence: missense variant.
Genome position (GRCh38, 1-based): chr2:218,263,647, G>A. VCF-style: chr2-218263647-G-A. GRCh37 (hg19) VCF-style: chr2-219128370-G-A.
Other names: c.923G>A (NM_001077191.1); c.923G>A, p.Arg308Gln (NM_001077191.2, NM_001077194.2, NM_001321950.2); short protein forms R308Q.
Identifiers: ClinVar variation 3037022 (VCV003037022.3), dbSNP rs200024655, ClinGen allele CA2102728.

ClinVar aggregate classification (germline): Uncertain significance. Review status: criteria provided, single submitter (1 of 4 stars). 2 submissions from 2 submitters: Uncertain significance (1). 1 of the submissions does not count toward it. Last evaluated 2025-08-05.

Conditions:
GPBAR1-related disorder. Also called: GPBAR1-related condition.

Allele frequency attached by ClinVar (database versions not stated): ESP Exome Variant Server 0.00008; 1000 Genomes Project 0.00020; 1000 Genomes Project 30x 0.00031.
gnomAD v4.1: 39 of 1,612,872 alleles (0.0024%); highest among the groups gnomAD compares: Middle Eastern, 0.016%; no homozygotes.

Submissions (2):

Ambry Genetics
Classification: Uncertain significance. Last evaluated: 2025-08-05. Review status: criteria provided, single submitter. Criteria: Ambry Variant Classification Scheme 2023. Collection method: clinical testing. Allele origin: germline.

PreventionGenetics, part of Exact Sciences
Classification: Uncertain significance for GPBAR1-related condition. Last evaluated: 2023-12-18. Review status: no assertion criteria provided. Collection method: clinical testing. Allele origin: germline. Not counted in ClinVar's aggregate classification.
Comment: The GPBAR1 c.923G>A variant is predicted to result in the amino acid substitution p.Arg308Gln. To our knowledge, this variant has not been reported in the literature. This variant is reported in 0.014% of alleles in individuals of African descent in gnomAD. At this time, the clinical significance of this variant is uncertain due to the absence of conclusive functional and genetic evidence.